The following is an entry in ClinVar:

NM_004370.6(COL12A1):c.7698-8T>C

Gene: COL12A1 (collagen type XII alpha 1 chain; minus strand). Cytogenetic location: 6q13.
Variant type: single nucleotide variant.
Coding change: c.7698-8T>C on transcript NM_004370.6 (MANE Select); 8 bases into the intron before coding-DNA position 7698, T replaced by C.
Molecular consequence: intron variant.
Genome position (GRCh38, 1-based): chr6:75,113,752, A>G on the plus strand (T>C on the coding strand, the complement: COL12A1 is on the minus strand). VCF-style: chr6-75113752-A-G. GRCh37 (hg19) VCF-style: chr6-75823468-A-G.
Other names: p.?; c.4206-8T>C (NM_001424116.1, NM_080645.3); c.7425-8T>C (NM_001424115.1); c.7677-8T>C (NM_001424114.1); c.7698-8T>C (NM_001424113.1).
Identifiers: ClinVar variation 3749077 (VCV003749077.3).
Genomic context (GRCh38, chr6:75,113,752, plus strand): 5'-TGAATAATAATATAATCGTGTATGAAGGAGGGAGTCCATTTGGGTGTAGGTCTCTGTTGG[A>G]TAAAACAAAAGAAAGAAAAAGGAGAGGAAAGAAAAAAAGAAAGGAAGAAAGAAAGATTGA-3'

ClinVar aggregate classification (germline): Likely benign. Review status: criteria provided, multiple submitters, no conflicts (2 of 4 stars). 2 submissions from 2 submitters: Likely benign (2). Last evaluated 2025-08-18.

Conditions:
Ullrich congenital muscular dystrophy 2 (UCMD2). Identifiers: Orphanet 75840, MedGen C4225314, MONDO:0014654, OMIM 616470.
Bethlem myopathy 2 (BTHLM2). Identifiers: Orphanet 536516, Orphanet 610, MedGen C4225313, MONDO:0034022, OMIM 616471.

gnomAD v4.1: 3 of 1,558,856 alleles (0.00019%); highest among the groups gnomAD compares: East Asian, 0.0068%; no homozygotes.

Submissions (2):

Mayo Clinic Laboratories, Mayo Clinic
Classification: Likely benign. Last evaluated: 2025-08-18. Review status: criteria provided, single submitter. Criteria: ACMG Guidelines, 2015. Collection method: clinical testing. Allele origin: germline. Observed: 1 variant allele.
Comment: BP4, BP7, PM2_supporting

Labcorp Genetics (formerly Invitae), Labcorp
Classification: Likely benign for Bethlem myopathy 2; Ullrich congenital muscular dystrophy 2. Last evaluated: 2024-07-31. Review status: criteria provided, single submitter. Criteria: Invitae Variant Classification Sherloc (09022015). Collection method: clinical testing. Allele origin: germline.